The following is an entry in ClinVar:

ClinVar aggregate classification (germline): Uncertain significance (1 of 4 stars; one submission).

Submission:

GeneDx
Classification: Uncertain significance. Last evaluated: 2025-07-09. Review status: criteria provided, single submitter. Criteria: GeneDx Variant Classification Process June 2021. Collection method: clinical testing. Allele origin: germline. Affected: yes.
Comment: Not observed at significant frequency in large population cohorts (gnomAD); In silico analysis supports that this missense variant has a deleterious effect on protein structure/function; Has not been previously published as pathogenic or benign to our knowledge

NM_020922.5(WNK3):c.2411T>C (p.Val804Ala)

Gene: WNK3 (WNK lysine deficient protein kinase 3; minus strand). Cytogenetic location: Xp11.22.
Variant type: single nucleotide variant.
Coding change: c.2411T>C on transcript NM_020922.5 (MANE Select); coding-DNA position 2411, T replaced by C.
Protein change: p.Val804Ala; replaces valine 804 with alanine.
Molecular consequence: missense variant.
Genome position (GRCh38, 1-based): chrX:54,251,644, A>G on the plus strand (T>C on the coding strand, the complement: WNK3 is on the minus strand). VCF-style: chrX-54251644-A-G. GRCh37 (hg19) VCF-style: chrX-54278077-A-G.
Other names: c.2411T>C, p.Val804Ala (NM_001002838.4, NM_001395166.1); short protein forms V804A.
Identifiers: ClinVar variation 3372504 (VCV003372504.2).